The following is an entry in ClinVar:

ClinVar aggregate classification (germline): Benign (1 of 4 stars; one submission).

Conditions:
Retinitis pigmentosa (RP). Identifiers: Orphanet 791, MedGen C0035334, MeSH D012174, MONDO:0019200, OMIM 268000. Inheritance: Autosomal dominant, autosomal recessive and X linked inheritance.

Allele frequency attached by ClinVar (database versions not stated): 1000 Genomes Project 30x 0.00234; gnomAD 0.00362; TOPMed 0.00371; 1000 Genomes Project 0.01018.
gnomAD v4.1: 484 of 151,314 alleles (0.32%); highest among the groups gnomAD compares: African/African-American, 1.1%; 2 homozygotes.

Submission:

Illumina Laboratory Services, Illumina
Classification: Benign for Retinitis pigmentosa. Last evaluated: 2018-01-13. Review status: criteria provided, single submitter. Criteria: ICSL Variant Classification Criteria 13 December 2019. Collection method: clinical testing. Allele origin: germline.
Comment: This variant was observed in the ICSL laboratory as part of a predisposition screen in an ostensibly healthy population. It had not been previously curated by ICSL or reported in the Human Gene Mutation Database (HGMD: prior to June 1st, 2018), and was therefore a candidate for classification through an automated scoring system. Utilizing variant allele frequency, disease prevalence and penetrance estimates, and inheritance mode, an automated score was calculated to assess if this variant is too frequent to cause the disease. Based on the score and internal cut-off values, a variant classified as benign is not then subjected to further curation. The score for this variant resulted in a classification of benign for this disease.

NM_002098.6(GUCA1B):c.*961A>C

Gene: GUCA1B (guanylate cyclase activator 1B; minus strand). Cytogenetic location: 6p21.1.
Variant type: single nucleotide variant.
Coding change: c.*961A>C on transcript NM_002098.6 (MANE Select); 961 bases downstream of the stop codon, A replaced by C.
Molecular consequence: 3 prime UTR variant.
Genome position (GRCh38, 1-based): chr6:42,183,854, T>G on the plus strand (A>C on the coding strand, the complement: GUCA1B is on the minus strand). VCF-style: chr6-42183854-T-G. GRCh37 (hg19) VCF-style: chr6-42151592-T-G.
Identifiers: ClinVar variation 356707 (VCV000356707.5), dbSNP rs566086888, ClinGen allele CA10626801.
Genomic context (GRCh38, chr6:42,183,854, plus strand): 5'-CTGGGGGATATGGATGGAAAGAGAGGATTGTTGGGGGAGTGGTGGGTTGGCAGCAGGGGG[T>G]CCCAGAGCAGCACCCAGGCAGAGCTGAAACAGTCCCTTTAAGTACAGCTGACCCTTTCAA-3'